The following is an entry in ClinVar:

NC_000010.10:g.(?_12148225)_(12155083_?)dup

Gene: DHTKD1 (dehydrogenase E1 and transketolase domain containing 1; plus strand). Cytogenetic location: 10p14.
Variant type: Duplication.
Identifiers: ClinVar variation 2426493 (VCV002426493.6).

ClinVar aggregate classification (germline): Uncertain significance (1 of 4 stars; one submission).

Conditions:
2-aminoadipic 2-oxoadipic aciduria (AAKAD). Also called: Aminoadipic aciduria; ALPHA-AMINOADIPIC AND ALPHA-KETOADIPIC ACIDURIA. Identifiers: Orphanet 79154, MedGen C1859817, MONDO:0008774, OMIM 204750.

Submission:

Labcorp Genetics (formerly Invitae), Labcorp
Classification: Uncertain significance for 2-aminoadipic 2-oxoadipic aciduria. Last evaluated: 2022-05-14. Review status: criteria provided, single submitter. Criteria: Invitae Variant Classification Sherloc (09022015). Collection method: clinical testing. Allele origin: germline.
Comment: This variant results in a copy number gain of the genomic region encompassing exon(s) 11-13 of the DHTKD1 gene. While the exact position of this variant cannot be determined from the data, sub-genic copy number gains are generally in tandem (PMID: 25640679). This variant is predicted to be in-frame, and likely preserves the integrity of the reading frame. This variant has not been reported in the literature in individuals affected with DHTKD1-related conditions. Experimental studies and prediction algorithms are not available or were not evaluated, and the functional significance of this variant is currently unknown. In summary, the available evidence is currently insufficient to determine the role of this variant in disease. Therefore, it has been classified as a Variant of Uncertain Significance.

Literature cited by the submitters: PubMed 25640679.